The following is an entry in ClinVar:

ClinVar aggregate classification (germline): Benign. Review status: criteria provided, multiple submitters, no conflicts (2 of 4 stars). 3 submissions from 3 submitters: Benign (2). 1 of the submissions does not count toward it. Last evaluated 2019-12-31.

Conditions:
DNAH10-related disorder. Also called: DNAH10-related condition.

Allele frequency attached by ClinVar (database versions not stated): 1000 Genomes Project 30x 0.00453; 1000 Genomes Project 0.00499; TOPMed 0.00963; ExAC 0.00980; gnomAD exomes 0.01013 and 0.01569; gnomAD 0.01055 and 0.01068; ESP Exome Variant Server 0.01192.
gnomAD v4.1: 24,417 of 1,614,192 alleles (1.5%); highest among the groups gnomAD compares: Non-Finnish European, 1.9%; 237 homozygotes.

Submissions (4):

Labcorp Genetics (formerly Invitae), Labcorp
Classification: Benign. Last evaluated: 2019-12-31. Review status: criteria provided, single submitter. Criteria: Invitae Variant Classification Sherloc (09022015). Collection method: clinical testing. Allele origin: germline.

Breakthrough Genomics
Classification: Benign. Review status: criteria provided, single submitter. Criteria: ACMG Guidelines, 2015. Collection method: not provided. Allele origin: germline. Inheritance: Autosomal recessive inheritance. Affected: yes.

PreventionGenetics, part of Exact Sciences
Classification: Benign for DNAH10-related condition. Last evaluated: 2019-10-31. Review status: no assertion criteria provided. Collection method: clinical testing. Allele origin: germline. Not counted in ClinVar's aggregate classification.
Comment: This variant is classified as benign based on ACMG/AMP sequence variant interpretation guidelines (Richards et al. 2015 PMID: 25741868, with internal and published modifications).

Dr. Peter K. Rogan Lab, Western University
No classification provided (evidence only). Condition: Gastric cancer. Review status: no classification provided. Collection method: in vitro. Allele origin: not applicable. Functional consequence: retained intron. Not counted in ClinVar's aggregate classification.

NM_001372106.1(DNAH10):c.3511C>T (p.His1171Tyr)

Gene: DNAH10 (dynein axonemal heavy chain 10; plus strand). Cytogenetic location: 12q24.31.
Variant type: single nucleotide variant.
Coding change: c.3511C>T on transcript NM_001372106.1 (MANE Select); coding-DNA position 3511, C replaced by T.
Protein change: p.His1171Tyr; replaces histidine 1171 with tyrosine.
Molecular consequence: missense variant.
Genome position (GRCh38, 1-based): chr12:123,813,530, C>T. VCF-style: chr12-123813530-C-T. GRCh37 (hg19) VCF-style: chr12-124298077-C-T.
Other names: NC_000012.11:g.124298077C>T; c.3157C>T, p.His1053Tyr (NM_207437.3); short protein forms H1171Y, H1053Y.
Identifiers: ClinVar variation 782335 (VCV000782335.8), dbSNP rs117037408, ClinGen allele CA6863315.